The following is an entry in ClinVar:

ClinVar aggregate classification (germline): Benign (1 of 4 stars; one submission).

Allele frequency attached by ClinVar (database versions not stated): gnomAD 0.03837 and 0.04124; 1000 Genomes Project 0.04353; TOPMed 0.04385; 1000 Genomes Project 30x 0.04825.
gnomAD v4.1: 5,781 of 152,220 alleles (3.8%); highest among the groups gnomAD compares: African/African-American, 13%; 362 homozygotes.

Submission:

GeneDx
Classification: Benign. Last evaluated: 2018-06-14. Review status: criteria provided, single submitter. Criteria: GeneDx Variant Classification (06012015). Collection method: clinical testing. Allele origin: germline. Affected: yes.
Comment: This variant is considered likely benign or benign based on one or more of the following criteria: it is a conservative change, it occurs at a poorly conserved position in the protein, it is predicted to be benign by multiple in silico algorithms, and/or has population frequency not consistent with disease.

NM_001377.3(DYNC2H1):c.10696-197A>T

Gene: DYNC2H1 (dynein cytoplasmic 2 heavy chain 1; plus strand). Cytogenetic location: 11q22.3.
Variant type: single nucleotide variant.
Coding change: c.10696-197A>T on transcript NM_001377.3 (MANE Select); 197 bases into the intron before coding-DNA position 10696, A replaced by T.
Molecular consequence: intron variant.
Genome position (GRCh38, 1-based): chr11:103,280,151, A>T. VCF-style: chr11-103280151-A-T. GRCh37 (hg19) VCF-style: chr11-103150880-A-T.
Other names: c.10717-197A>T (NM_001080463.2).
Identifiers: ClinVar variation 673029 (VCV000673029.1), dbSNP rs1387000, ClinGen allele CA227420195.